The following is an entry in ClinVar:

NM_012330.4(KAT6B):c.840A>C (p.Arg280Ser)

Gene: KAT6B (lysine acetyltransferase 6B; plus strand). Cytogenetic location: 10q22.2.
Variant type: single nucleotide variant.
Coding change: c.840A>C on transcript NM_012330.4 (MANE Select); coding-DNA position 840, A replaced by C.
Protein change: p.Arg280Ser; replaces arginine 280 with serine.
Molecular consequence: missense variant. On other transcripts: intron variant (2).
Genome position (GRCh38, 1-based): chr10:74,969,769, A>C. VCF-style: chr10-74969769-A-C. GRCh37 (hg19) VCF-style: chr10-76729527-A-C.
Other names: c.840A>C, p.Arg280Ser (NM_001256468.2, NM_001256469.2, NM_001370132.1 and 10 more transcripts); c.193-9455A>C (NM_001370134.1); c.192+9691A>C (NM_001370135.1); short protein forms R280S.
Identifiers: ClinVar variation 2841441 (VCV002841441.3), dbSNP rs1554834891, ClinGen allele CA377282088.
Genomic context (GRCh38, chr10:74,969,769, plus strand): 5'-GGCCTTAAGGTGGCAGTGCATCGAATGCAAGACATGCAGTGCCTGTAGAGTCCAAGGCAG[A>C]AATGCTGTAAGTATGGCTCCCGTAATCCGCCTCCAGGTAACTCGCTAATTTCCAGTGTTA-3'
Protein context (NP_036462.2, residues 270-290): KTCSACRVQG[Arg280Ser]NADNMLFCDS

ClinVar aggregate classification (germline): Uncertain significance (1 of 4 stars; one submission).

Conditions:
Genitopatellar syndrome (GTPTS). Also called: Genitopatellar syndrome (GPS); ABSENT PATELLAE, SCROTAL HYPOPLASIA, RENAL ANOMALIES, FACIAL DYSMORPHISM, AND MENTAL RETARDATION. Identifiers: Orphanet 85201, MedGen C1853566, MONDO:0011640, OMIM 606170.

Submission:

Labcorp Genetics (formerly Invitae), Labcorp
Classification: Uncertain significance for Genitopatellar syndrome. Last evaluated: 2025-10-20. Review status: criteria provided, single submitter. Criteria: Invitae Variant Classification Sherloc (09022015). Collection method: clinical testing. Allele origin: germline.
Comment: This sequence change replaces arginine, which is basic and polar, with serine, which is neutral and polar, at codon 280 of the KAT6B protein (p.Arg280Ser). This variant is not present in population databases (gnomAD no frequency). This variant has not been reported in the literature in individuals affected with KAT6B-related conditions. ClinVar contains an entry for this variant (Variation ID: 2841441). Invitae Evidence Modeling of protein sequence and biophysical properties (such as structural, functional, and spatial information, amino acid conservation, physicochemical variation, residue mobility, and thermodynamic stability) has been performed for this missense variant. However, the output from this modeling did not meet the statistical confidence thresholds required to predict the impact of this variant on KAT6B protein function. In summary, the available evidence is currently insufficient to determine the role of this variant in disease. Therefore, it has been classified as a Variant of Uncertain Significance.